The following is an entry in ClinVar:

NM_001042681.2(RERE):c.3746A>G (p.Asp1249Gly)

Gene: RERE (arginine-glutamic acid dipeptide repeats; minus strand). Cytogenetic location: 1p36.23.
Variant type: single nucleotide variant.
Coding change: c.3746A>G on transcript NM_001042681.2 (MANE Select); coding-DNA position 3746, A replaced by G.
Protein change: p.Asp1249Gly; replaces aspartic acid 1249 with glycine.
Molecular consequence: missense variant.
Genome position (GRCh38, 1-based): chr1:8,358,789, T>C on the plus strand (A>G on the coding strand, the complement: RERE is on the minus strand). VCF-style: chr1-8358789-T-C. GRCh37 (hg19) VCF-style: chr1-8418849-T-C.
Other names: c.2084A>G, p.Asp695Gly (NM_001042682.2); c.3746A>G, p.Asp1249Gly (NM_012102.4); short protein forms D1249G, D695G.
Identifiers: ClinVar variation 2579822 (VCV002579822.1), dbSNP rs2522697573, ClinGen allele CA338169931.

ClinVar aggregate classification (germline): Uncertain significance (1 of 4 stars; one submission).

Submission:

GeneDx
Classification: Uncertain significance. Last evaluated: 2023-03-14. Review status: criteria provided, single submitter. Criteria: GeneDx Variant Classification Process June 2021. Collection method: clinical testing. Allele origin: germline. Affected: yes.
Comment: Not observed at significant frequency in large population cohorts (gnomAD); In silico analysis supports that this missense variant has a deleterious effect on protein structure/function; Has not been previously published as pathogenic or benign to our knowledge